The following is an entry in ClinVar:

NM_001035.3(RYR2):c.14808+225C>A

Gene: RYR2 (ryanodine receptor 2; plus strand). Cytogenetic location: 1q43.
Variant type: single nucleotide variant.
Coding change: c.14808+225C>A on transcript NM_001035.3 (MANE Select); 225 bases into the intron after coding-DNA position 14808, C replaced by A.
Molecular consequence: intron variant.
Genome position (GRCh38, 1-based): chr1:237,831,790, C>A. VCF-style: chr1-237831790-C-A. GRCh37 (hg19) VCF-style: chr1-237995090-C-A.
Identifiers: ClinVar variation 673102 (VCV000673102.1), dbSNP rs4659502, ClinGen allele CA39834837.

ClinVar aggregate classification (germline): Benign (1 of 4 stars; one submission).

Allele frequency attached by ClinVar (database versions not stated): gnomAD 0.06529 and 0.07003; TOPMed 0.07876; 1000 Genomes Project 30x 0.15459; 1000 Genomes Project 0.15815.
gnomAD v4.1: 10,561 of 152,180 alleles (6.9%); highest among the groups gnomAD compares: East Asian, 28%; 902 homozygotes.

Submission:

GeneDx
Classification: Benign. Last evaluated: 2018-06-14. Review status: criteria provided, single submitter. Criteria: GeneDx Variant Classification (06012015). Collection method: clinical testing. Allele origin: germline. Affected: yes.
Comment: This variant is considered likely benign or benign based on one or more of the following criteria: it is a conservative change, it occurs at a poorly conserved position in the protein, it is predicted to be benign by multiple in silico algorithms, and/or has population frequency not consistent with disease.